The following is an entry in ClinVar:

NM_001021.6(RPS17):c.312A>G (p.Glu104=)

Gene: RPS17 (ribosomal protein S17; minus strand). Cytogenetic location: 15q25.2.
Variant type: single nucleotide variant.
Coding change: c.312A>G on transcript NM_001021.6 (MANE Select); coding-DNA position 312, A replaced by G.
Protein change: p.Glu104=; no amino-acid change (glutamic acid 104 retained).
Molecular consequence: synonymous variant. On other transcripts: non-coding transcript variant (2).
Genome position (GRCh38, 1-based): chr15:82,538,321, T>C on the plus strand (A>G on the coding strand, the complement: RPS17 is on the minus strand). VCF-style: chr15-82538321-T-C. GRCh37 (hg19) VCF-style: chr15-82822729-T-C.
Identifiers: ClinVar variation 1223515 (VCV001223515.6), dbSNP rs1049218128, ClinGen allele CA273932561.

ClinVar aggregate classification (germline): Likely benign. Review status: criteria provided, multiple submitters, no conflicts (2 of 4 stars). 3 submissions from 3 submitters: Likely benign (3). Last evaluated 2021-10-18.

Conditions:
Diamond-Blackfan anemia 4 (DBA4). Also called: RPS17-Related Diamond-Blackfan Anemia. Identifiers: Orphanet 124, MedGen C2675860, MONDO:0012924, OMIM 612527.
Diamond-Blackfan anemia. Also called: Blackfan Diamond syndrome; Aregenerative anemia chronic congenital; Red cell aplasia, pure hereditary; Congenital hypoplastic anemia; Aase syndrome. Identifiers: Orphanet 124, MedGen C1260899, MeSH D029503, MONDO:0015253, HP:0004810.

Allele frequency attached by ClinVar (database versions not stated): gnomAD 0.02232 and 0.02409; TOPMed 0.02598; 1000 Genomes Project 30x 0.02873.
gnomAD v4.1: 6,650 of 1,613,404 alleles (0.41%); highest among the groups gnomAD compares: African/African-American, 7.7%; 239 homozygotes.

Submissions (3):

Fulgent Genetics
Classification: Likely benign for Diamond-Blackfan anemia 4. Last evaluated: 2021-10-18. Review status: criteria provided, single submitter. Criteria: ACMG Guidelines, 2015. Collection method: clinical testing. Allele origin: unknown.

GeneDx
Classification: Likely benign. Last evaluated: 2018-10-15. Review status: criteria provided, single submitter. Criteria: GeneDx Variant Classification Process June 2021. Collection method: clinical testing. Allele origin: germline. Affected: yes.
Comment: This variant is associated with the following publications: (PMID: 20054847)

Ambry Genetics
Classification: Likely benign for Diamond-Blackfan anemia. Last evaluated: 2014-08-20. Review status: criteria provided, single submitter. Criteria: Ambry Variant Classification Scheme 2023. Collection method: clinical testing. Allele origin: germline.